The following is an entry in ClinVar:

NM_004168.4(SDHA):c.613T>C (p.Tyr205His)

Gene: SDHA (succinate dehydrogenase complex flavoprotein subunit A; plus strand). Cytogenetic location: 5p15.33.
Variant type: single nucleotide variant.
Coding change: c.613T>C on transcript NM_004168.4 (MANE Select); coding-DNA position 613, T replaced by C.
Protein change: p.Tyr205His; replaces tyrosine 205 with histidine.
Molecular consequence: missense variant.
Genome position (GRCh38, 1-based): chr5:226,039, T>C. VCF-style: chr5-226039-T-C. GRCh37 (hg19) VCF-style: chr5-226154-T-C.
Other names: c.469T>C, p.Tyr157His (NM_001294332.2); c.613T>C, p.Tyr205His (NM_001330758.2); short protein forms Y205H, Y157H.
Identifiers: ClinVar variation 412329 (VCV000412329.22), dbSNP rs61754481, ClinGen allele CA3172891.

ClinVar aggregate classification (germline): Uncertain significance. Review status: criteria provided, multiple submitters, no conflicts (2 of 4 stars). 7 submissions from 7 submitters: Uncertain significance (7). Last evaluated 2026-03-20.

Conditions:
Mitochondrial complex II deficiency, nuclear type 1. Also called: SUCCINATE CoQ REDUCTASE DEFICIENCY. Identifiers: Orphanet 3208, MedGen C5700310, MONDO:0100294, OMIM 252011.
Pheochromocytoma/paraganglioma syndrome 5. Also called: SDHA-Related Hereditary Paraganglioma-Pheochromocytoma Syndrome; Paragangliomas 5. Identifiers: Orphanet 29072, MedGen C3279992, MONDO:0013602, OMIM 614165.
Hereditary cancer-predisposing syndrome. Also called: Neoplastic Syndromes, Hereditary; Hereditary Cancer Syndrome; Tumor predisposition; Hereditary neoplastic syndrome. Identifiers: Orphanet 140162, MedGen C0027672, MeSH D009386, MONDO:0015356.
Leigh syndrome (NULS). Also called: Leigh's syndrome; Leigh Syndrome (mtDNA deletion); Leigh Disease; Subacute necrotizing encephalopathy; Necrotizing encephalopathy infantile subacute of Leigh; LEIGH SYNDROME, NUCLEAR. Identifiers: Orphanet 506, MedGen C2931891, MONDO:0009723, OMIM 256000.
Dilated cardiomyopathy 1GG (CMD1GG). Identifiers: Orphanet 154, MedGen C3150898, MONDO:0013339, OMIM 613642.

Allele frequency attached by ClinVar (database versions not stated): TOPMed 0.00001; gnomAD 0.00003; gnomAD exomes 0.00003 and 0.00006; ExAC 0.00005.
gnomAD v4.1: 46 of 1,614,032 alleles (0.0029%); highest among the groups gnomAD compares: Admixed American, 0.0067%; no homozygotes.

Submissions (7):

Ambry Genetics
Classification: Uncertain significance for Hereditary cancer-predisposing syndrome. Last evaluated: 2026-03-20. Review status: criteria provided, single submitter. Criteria: Ambry Variant Classification Scheme 2023. Collection method: clinical testing. Allele origin: germline.
Comment: The p.Y205H variant (also known as c.613T>C), located in coding exon 5 of the SDHA gene, results from a T to C substitution at nucleotide position 613. The tyrosine at codon 205 is replaced by histidine, an amino acid with similar properties. This variant was identified in an individual with benign abdominal paraganglioma but co-occurred with a pathogenic SDHB alteration (p.Arg90Ter) (Ben Aim L et al. J Med Genet, 2019 Aug;56:513-520). This alteration was classified as a variant of unknown significance by authors who reported it in a French dilated cardiomyopathy (DCM) cohort (Perret C et al. Clin Genet, 2024 Feb;105:185-189). This amino acid position is highly conserved in available vertebrate species. In addition, this alteration is predicted to be deleterious by in silico analysis. Since supporting evidence is limited at this time, the clinical significance of this alteration remains unclear.

Labcorp Genetics (formerly Invitae), Labcorp
Classification: Uncertain significance for Pheochromocytoma/paraganglioma syndrome 5; Mitochondrial complex II deficiency, nuclear type 1. Last evaluated: 2025-12-28. Review status: criteria provided, single submitter. Criteria: Invitae Variant Classification Sherloc (09022015). Collection method: clinical testing. Allele origin: germline.
Comment: This sequence change replaces tyrosine, which is neutral and polar, with histidine, which is basic and polar, at codon 205 of the SDHA protein (p.Tyr205His). This variant is present in population databases (rs61754481, gnomAD 0.01%). This missense change has been observed in individual(s) with a paraganglioma (PMID: 30877234). ClinVar contains an entry for this variant (Variation ID: 412329). Invitae Evidence Modeling of protein sequence and biophysical properties (such as structural, functional, and spatial information, amino acid conservation, physicochemical variation, residue mobility, and thermodynamic stability) has been performed for this missense variant. However, the output from this modeling did not meet the statistical confidence thresholds required to predict the impact of this variant on SDHA protein function. In summary, the available evidence is currently insufficient to determine the role of this variant in disease. Therefore, it has been classified as a Variant of Uncertain Significance.

St. Jude Molecular Pathology, St. Jude Children's Research Hospital
Classification: Uncertain significance for Pheochromocytoma/paraganglioma syndrome 5. Last evaluated: 2025-02-05. Review status: criteria provided, single submitter. Criteria: St. Jude Assertion Criteria 2020. Collection method: clinical testing. Allele origin: germline.
Comment: The SDHA c.613T>C (p.Tyr205His) missense change has a maximum subpopulation frequency of 0.02% in gnomAD v2.1.1. The in silico tool REVEL predicts a deleterious effect on protein function, but to our knowledge this prediction has not been confirmed by functional studies. This variant has been reported in an individual with a paraganglioma who was also found to have a pathogenic SDHB variant (PMID: 30877234). In summary, the evidence currently available is insufficient to determine the clinical significance of this variant. It has therefore been classified as of uncertain significance.

Quest Diagnostics Nichols Institute San Juan Capistrano
Classification: Uncertain significance. Last evaluated: 2024-10-25. Review status: criteria provided, single submitter. Criteria: Quest Diagnostics criteria. Collection method: clinical testing. Allele origin: unknown.

Baylor Genetics
Classification: Uncertain significance for Dilated cardiomyopathy 1GG. Last evaluated: 2023-12-06. Review status: criteria provided, single submitter. Criteria: ACMG Guidelines, 2015. Collection method: clinical testing. Allele origin: unknown.

GeneDx
Classification: Uncertain significance. Last evaluated: 2023-11-14. Review status: criteria provided, single submitter. Criteria: GeneDx Variant Classification Process June 2021. Collection method: clinical testing. Allele origin: germline. Affected: yes.
Comment: Observed in an individual with paraganglioma, however this person also harbored a pathogenic SDHB variant (PMID: 30877234); In silico analysis, which includes protein predictors and evolutionary conservation, supports a deleterious effect; This variant is associated with the following publications: (PMID: 30877234)

Fulgent Genetics
Classification: Uncertain significance for Mitochondrial complex II deficiency, nuclear type 1; Leigh syndrome; Dilated cardiomyopathy 1GG; Pheochromocytoma/paraganglioma syndrome 5. Last evaluated: 2018-10-31. Review status: criteria provided, single submitter. Criteria: ACMG Guidelines, 2015. Collection method: clinical testing. Allele origin: unknown.

Literature cited by the submitters: PubMed 30877234 (cited by 3 submitters); PubMed 37904629 (cited by Ambry Genetics and Quest Diagnostics Nichols Institute San Juan Capistrano); PubMed 38473309 (cited by Quest Diagnostics Nichols Institute San Juan Capistrano).